The following is an entry in ClinVar:

NM_001298.3(CNGA3):c.2076A>G (p.Lys692=)

Gene: CNGA3 (cyclic nucleotide gated channel subunit alpha 3; plus strand). Cytogenetic location: 2q11.2.
Variant type: single nucleotide variant.
Coding change: c.2076A>G on transcript NM_001298.3 (MANE Select); coding-DNA position 2076, A replaced by G.
Protein change: p.Lys692=; no amino-acid change (lysine 692 retained).
Molecular consequence: synonymous variant.
Genome position (GRCh38, 1-based): chr2:98,397,246, A>G. VCF-style: chr2-98397246-A-G. GRCh37 (hg19) VCF-style: chr2-99013709-A-G.
Other names: c.2022A>G, p.Lys674= (NM_001079878.2).
Identifiers: ClinVar variation 3058492 (VCV003058492.4), dbSNP rs747265229, ClinGen allele CA1794144.

ClinVar aggregate classification (germline): Likely benign. Review status: criteria provided, single submitter (1 of 4 stars). 2 submissions from 2 submitters: Likely benign (1). 1 of the submissions does not count toward it. Last evaluated 2024-07-08.

Conditions:
CNGA3-related disorder. Also called: CNGA3-related condition.

Allele frequency attached by ClinVar (database versions not stated): ExAC 0.00002; gnomAD exomes 0.00010.

Submissions (2):

Labcorp Genetics (formerly Invitae), Labcorp
Classification: Likely benign. Last evaluated: 2024-07-08. Review status: criteria provided, single submitter. Criteria: Invitae Variant Classification Sherloc (09022015). Collection method: clinical testing. Allele origin: germline.

PreventionGenetics, part of Exact Sciences
Classification: Likely benign for CNGA3-related condition. Last evaluated: 2019-03-28. Review status: no assertion criteria provided. Collection method: clinical testing. Allele origin: germline. Not counted in ClinVar's aggregate classification.
Comment: This variant is classified as likely benign based on ACMG/AMP sequence variant interpretation guidelines (Richards et al. 2015 PMID: 25741868, with internal and published modifications).